The following is an entry in ClinVar:

NM_001378964.1(CDON):c.928+1G>A

Gene: CDON (cell adhesion associated, oncogene regulated; minus strand). Cytogenetic location: 11q24.2.
Variant type: single nucleotide variant.
Coding change: c.928+1G>A on transcript NM_001378964.1 (MANE Select); the canonical splice donor site of the intron after coding-DNA position 928, G replaced by A.
Molecular consequence: splice donor variant.
Genome position (GRCh38, 1-based): chr11:126,017,087, C>T on the plus strand (G>A on the coding strand, the complement: CDON is on the minus strand). VCF-style: chr11-126017087-C-T. GRCh37 (hg19) VCF-style: chr11-125886982-C-T.
Other names: c.928+1G>A (NM_001441166.1, NM_016952.6, NM_001243597.3 and 5 more transcripts).
Identifiers: ClinVar variation 1706272 (VCV001706272.3), dbSNP rs1281309971, ClinGen allele CA383210535.

ClinVar aggregate classification (germline): Uncertain significance (1 of 4 stars; one submission).

Submission:

GeneDx
Classification: Uncertain significance. Last evaluated: 2024-07-30. Review status: criteria provided, single submitter. Criteria: GeneDx Variant Classification Process June 2021. Collection method: clinical testing. Allele origin: germline.
Comment: Reported in trans with another variant in CDON in siblings with isolated coloboma (PMID: 32729136); Canonical splice site variant in a gene or region of a gene for which loss of function is not a well-established mechanism of disease; Not observed at significant frequency in large population cohorts (gnomAD); This variant is associated with the following publications: (PMID: 32729136)